The following is an entry in ClinVar:

NM_024675.4(PALB2):c.2298_2301del (p.Cys768fs)

Gene: PALB2 (partner and localizer of BRCA2; minus strand). Cytogenetic location: 16p12.2.
Variant type: Deletion.
Coding change: c.2298_2301del on transcript NM_024675.4 (MANE Select); coding-DNA positions 2298 to 2301, 4 bases deleted (AGTC; older notation c.2298_2301delAGTC).
Protein change: p.Cys768fs; shifts the reading frame from cysteine 768.
Molecular consequence: frameshift variant.
Genome position (GRCh38, 1-based): chr16:23,629,853-23,629,856, GACT deleted on the plus strand (AGTC on the coding strand, the reverse complement: PALB2 is on the minus strand); deleting any 4 consecutive bases within chr16:23,629,853-23,629,858 gives the same sequence; the c. name uses the placement nearest the transcript's 3' end. VCF-style (leftmost placement, unchanged base first): chr16-23629852-AGACT-A. GRCh37 (hg19) VCF-style: chr16-23641173-AGACT-A.
Other names: c.2298_2301delAGTC (NM_024675.3); short protein forms C768fs.
Identifiers: ClinVar variation 653044 (VCV000653044.13), dbSNP rs1597089434, ClinGen allele CA915949184.
Genomic context (GRCh38, chr16:23,629,852, plus strand): 5'-TGGTATGTGGTTTTGCTGGGCTGCCTGAACTGTCGAATTGTTTAGTATCACTGGCAAGAC[AGACT>A]GAGTCTTTCAAATGAGCAAGTTGGGGTGTGCAGCAAGTTCGTCCAGCAACTTCTGTAGAT-3'

ClinVar aggregate classification (germline): Pathogenic. Review status: criteria provided, multiple submitters, no conflicts (2 of 4 stars). 4 submissions from 4 submitters: Pathogenic (4). Last evaluated 2024-05-23.

Conditions:
Hereditary cancer-predisposing syndrome. Also called: Neoplastic Syndromes, Hereditary; Tumor predisposition; Hereditary Cancer Syndrome; Hereditary neoplastic syndrome. Identifiers: Orphanet 140162, MedGen C0027672, MeSH D009386, MONDO:0015356.
Familial cancer of breast. Also called: hereditary breast carcinoma; BREAST CANCER, FAMILIAL; Hereditary breast cancer. Identifiers: Orphanet 227535, MedGen C0346153, MONDO:0016419, OMIM 114480. Disease mechanism: loss of function.

Submissions (4):

Myriad Genetics, Inc.
Classification: Pathogenic for Familial cancer of breast. Last evaluated: 2024-05-23. Review status: criteria provided, single submitter. Criteria: Myriad Autosomal Dominant, Autosomal Recessive and X-Linked Classification Criteria (2023). Collection method: clinical testing. Allele origin: unknown.
Comment: This variant is considered pathogenic. This variant creates a frameshift predicted to result in premature protein truncation.

Ambry Genetics
Classification: Pathogenic for Hereditary cancer-predisposing syndrome. Last evaluated: 2022-08-04. Review status: criteria provided, single submitter. Criteria: Ambry Variant Classification Scheme 2023. Collection method: clinical testing. Allele origin: germline.
Comment: The c.2298_2301delAGTC pathogenic mutation, located in coding exon 5 of the PALB2 gene, results from a deletion of 4 nucleotides at nucleotide positions 2298 to 2301, causing a translational frameshift with a predicted alternate stop codon (p.C768Lfs*82). This variant is considered to be rare based on population cohorts in the Genome Aggregation Database (gnomAD). This alteration is expected to result in loss of function by premature protein truncation or nonsense-mediated mRNA decay. As such, this alteration is interpreted as a disease-causing mutation.

Labcorp Genetics (formerly Invitae), Labcorp
Classification: Pathogenic for Familial cancer of breast. Last evaluated: 2022-04-04. Review status: criteria provided, single submitter. Criteria: Invitae Variant Classification Sherloc (09022015). Collection method: clinical testing. Allele origin: germline.
Comment: This sequence change creates a premature translational stop signal (p.Cys768Leufs*82) in the PALB2 gene. It is expected to result in an absent or disrupted protein product. Loss-of-function variants in PALB2 are known to be pathogenic (PMID: 17200668, 17200671, 17200672, 24136930, 25099575). This variant is not present in population databases (gnomAD no frequency). This variant has not been reported in the literature in individuals affected with PALB2-related conditions. ClinVar contains an entry for this variant (Variation ID: 653044). For these reasons, this variant has been classified as Pathogenic.

MGZ Medical Genetics Center
Classification: Pathogenic for Familial cancer of breast. Last evaluated: 2021-11-26. Review status: criteria provided, single submitter. Criteria: ACMG Guidelines, 2015. Collection method: clinical testing. Allele origin: germline. Affected: yes. Observed: 2 variant alleles.
Comment: ACMG criteria applied: PVS1, PM2_SUP, PM3_SUP

Literature cited by the submitters: PubMed 17200668 (cited by Labcorp Genetics (formerly Invitae), Labcorp); PubMed 17200671 (cited by Labcorp Genetics (formerly Invitae), Labcorp); PubMed 17200672 (cited by Labcorp Genetics (formerly Invitae), Labcorp); PubMed 24136930 (cited by Labcorp Genetics (formerly Invitae), Labcorp); PubMed 25099575 (cited by Labcorp Genetics (formerly Invitae), Labcorp).